The following is an entry in ClinVar:

NM_001286577.2(C2CD3):c.3764del (p.Cys1255fs)

Gene: C2CD3 (C2 domain containing 3 centriole elongation regulator; minus strand). Cytogenetic location: 11q13.4.
Variant type: Deletion.
Coding change: c.3764del on transcript NM_001286577.2 (MANE Select); coding-DNA position 3764, one base deleted (G; older notation c.3764delG).
Protein change: p.Cys1255fs; shifts the reading frame from cysteine 1255.
Molecular consequence: frameshift variant.
Genome position (GRCh38, 1-based): chr11:74,085,764, C deleted on the plus strand (G on the coding strand, the reverse complement: C2CD3 is on the minus strand). VCF-style (leftmost placement, unchanged base first): chr11-74085763-AC-A. GRCh37 (hg19) VCF-style: chr11-73796808-AC-A.
Other names: c.3764del, p.Cys1255fs (NM_015531.6); short protein forms C1255fs.
Identifiers: ClinVar variation 4733310 (VCV004733310.1).

ClinVar aggregate classification (germline): Pathogenic (1 of 4 stars; one submission).

Submission:

Labcorp Genetics (formerly Invitae), Labcorp
Classification: Pathogenic. Last evaluated: 2025-12-15. Review status: criteria provided, single submitter. Criteria: Invitae Variant Classification Sherloc (09022015). Collection method: clinical testing. Allele origin: germline.
Comment: This sequence change creates a premature translational stop signal (p.Cys1255Phefs*18) in the C2CD3 gene. It is expected to result in an absent or disrupted protein product. Loss-of-function variants in C2CD3 are known to be pathogenic (PMID: 24997988, 26477546). This variant is not present in population databases (gnomAD no frequency). This variant has not been reported in the literature in individuals affected with C2CD3-related conditions. For these reasons, this variant has been classified as Pathogenic.

Literature cited by the submitters: PubMed 24997988; PubMed 26477546.